The following is an entry in ClinVar:

ClinVar aggregate classification (germline): Benign/Likely benign. Review status: criteria provided, multiple submitters, no conflicts (2 of 4 stars). 4 submissions from 4 submitters: Benign (1); Likely benign (3). Last evaluated 2025-03-01.

Conditions:
Hereditary cancer-predisposing syndrome. Also called: Neoplastic Syndromes, Hereditary; Tumor predisposition; Hereditary Cancer Syndrome; Hereditary neoplastic syndrome. Identifiers: Orphanet 140162, MedGen C0027672, MeSH D009386, MONDO:0015356.
BAP1-related tumor predisposition syndrome (TPDS1). Also called: Tumor susceptibility linked to germline BAP1 mutations; COMMON Syndrome; TUMOR PREDISPOSITION SYNDROME 1; BAP1 tumor predisposition syndrome. Identifiers: Orphanet 289539, MedGen C3280492, MONDO:0013692, OMIM 614327.

Allele frequency attached by ClinVar (database versions not stated): gnomAD 0.00001; TOPMed 0.00001.
gnomAD v4.1: 2 of 1,614,102 alleles (0.00012%); highest among the groups gnomAD compares: Non-Finnish European, 0.00017%; no homozygotes.

Submissions (4):

Labcorp Genetics (formerly Invitae), Labcorp
Classification: Likely benign for BAP1-related tumor predisposition syndrome. Last evaluated: 2025-03-01. Review status: criteria provided, single submitter. Criteria: Invitae Variant Classification Sherloc (09022015). Collection method: clinical testing. Allele origin: germline.

Myriad Genetics, Inc.
Classification: Benign for BAP1-related tumor predisposition syndrome. Last evaluated: 2024-07-17. Review status: criteria provided, single submitter. Criteria: Myriad Autosomal Dominant, Autosomal Recessive and X-Linked Classification Criteria (2023). Collection method: clinical testing. Allele origin: unknown.
Comment: This variant is considered benign. This variant is a silent/synonymous amino acid change and it is not expected to impact splicing.

Ambry Genetics
Classification: Likely benign for Hereditary cancer-predisposing syndrome. Last evaluated: 2022-02-12. Review status: criteria provided, single submitter. Criteria: Ambry Variant Classification Scheme 2023. Collection method: clinical testing. Allele origin: germline.

Color Diagnostics, LLC DBA Color Health
Classification: Likely benign for Hereditary cancer-predisposing syndrome. Last evaluated: 2019-07-01. Review status: criteria provided, single submitter. Criteria: ACMG Guidelines, 2015. Collection method: clinical testing. Allele origin: germline.

NM_004656.4(BAP1):c.1905G>A (p.Leu635=)

Gene: BAP1 (BRCA1 associated deubiquitinase 1; minus strand). Cytogenetic location: 3p21.1.
Variant type: single nucleotide variant.
Coding change: c.1905G>A on transcript NM_004656.4 (MANE Select); coding-DNA position 1905, G replaced by A.
Protein change: p.Leu635=; no amino-acid change (leucine 635 retained).
Molecular consequence: synonymous variant.
Genome position (GRCh38, 1-based): chr3:52,402,857, C>T on the plus strand (G>A on the coding strand, the complement: BAP1 is on the minus strand). VCF-style: chr3-52402857-C-T. GRCh37 (hg19) VCF-style: chr3-52436873-C-T.
Identifiers: ClinVar variation 920702 (VCV000920702.12), dbSNP rs1301208674, ClinGen allele CA433885676.